The following is an entry in ClinVar:

ClinVar aggregate classification (germline): Uncertain significance (1 of 4 stars; one submission).

Conditions:
Long QT syndrome (LQTS). Identifiers: MedGen C0023976, MeSH D008133, MONDO:0002442. Disease mechanism: loss of function. Inheritance: Various modes of inheritance.

Submission:

Labcorp Genetics (formerly Invitae), Labcorp
Classification: Uncertain significance for Long QT syndrome. Last evaluated: 2024-03-27. Review status: criteria provided, single submitter. Criteria: Invitae Variant Classification Sherloc (09022015). Collection method: clinical testing. Allele origin: germline.
Comment: This sequence change replaces glutamic acid, which is acidic and polar, with valine, which is neutral and non-polar, at codon 1678 of the CACNA1C protein (p.Glu1678Val). This variant is not present in population databases (gnomAD no frequency). This variant has not been reported in the literature in individuals affected with CACNA1C-related conditions. Advanced modeling of protein sequence and biophysical properties (such as structural, functional, and spatial information, amino acid conservation, physicochemical variation, residue mobility, and thermodynamic stability) has been performed at Invitae for this missense variant, however the output from this modeling did not meet the statistical confidence thresholds required to predict the impact of this variant on CACNA1C protein function. In summary, the available evidence is currently insufficient to determine the role of this variant in disease. Therefore, it has been classified as a Variant of Uncertain Significance.

NM_000719.7(CACNA1C):c.5033A>T (p.Glu1678Val)

Genes: CACNA1C-AS1 (CACNA1C antisense RNA 1; minus strand), CACNA1C (calcium voltage-gated channel subunit alpha1 C; plus strand). Cytogenetic location: 12p13.33.
Variant type: single nucleotide variant.
Coding change: c.5033A>T on transcript NM_000719.7 (MANE Select); coding-DNA position 5033, A replaced by T.
Protein change: p.Glu1678Val; replaces glutamic acid 1678 with valine.
Molecular consequence: missense variant. On other transcripts: non-coding transcript variant (1).
Genome position (GRCh38, 1-based): chr12:2,677,809, A>T. VCF-style: chr12-2677809-A-T. GRCh37 (hg19) VCF-style: chr12-2786975-A-T.
Other names: c.5177A>T, p.Glu1726Val (NM_001129827.2, NM_199460.4); c.5156A>T, p.Glu1719Val (NM_001129829.2); c.5033A>T, p.Glu1678Val (NM_001129830.3, NM_001129840.2, NM_001129841.2 and 4 more transcripts); c.5117A>T, p.Glu1706Val (NM_001129831.2); c.5093A>T, p.Glu1698Val (NM_001129832.2); c.5090A>T, p.Glu1697Val (NM_001129833.2, NM_001129834.2, NM_001129835.2); c.5084A>T, p.Glu1695Val (NM_001129836.2); c.5057A>T, p.Glu1686Val (NM_001129837.2, NM_001129838.2); and 3 more; short protein forms E1678V, E1686V, E1698V, E1719V, E1667V, E1697V, E1706V, E1675V.
Identifiers: ClinVar variation 3702062 (VCV003702062.2).